The following is an entry in ClinVar:

ClinVar aggregate classification (germline): Likely benign (1 of 4 stars; one submission).

Submission:

CeGaT Center for Human Genetics Tuebingen
Classification: Likely benign. Last evaluated: 2023-08-01. Review status: criteria provided, single submitter. Criteria: CeGaT Center For Human Genetics Tuebingen Variant Classification Criteria Version 2. Collection method: clinical testing. Allele origin: germline. Affected: yes. Observed: 1 variant allele.
Comment: BPTF: BP4, BP7

NM_182641.4(BPTF):c.8043A>C (p.Pro2681=)

Gene: BPTF (bromodomain PHD finger transcription factor; plus strand). Cytogenetic location: 17q24.2.
Variant type: single nucleotide variant.
Coding change: c.8043A>C on transcript NM_182641.4 (MANE Select); coding-DNA position 8043, A replaced by C.
Protein change: p.Pro2681=; no amino-acid change (proline 2681 retained).
Molecular consequence: synonymous variant.
Genome position (GRCh38, 1-based): chr17:67,959,657, A>C. VCF-style: chr17-67959657-A-C. GRCh37 (hg19) VCF-style: chr17-65955773-A-C.
Other names: c.7992A>C, p.Pro2664= (NM_004459.7).
Identifiers: ClinVar variation 2648148 (VCV002648148.24), dbSNP rs2513106221, ClinGen allele CA501696753.